The following is an entry in ClinVar:

ClinVar aggregate classification (germline): Likely benign. Review status: criteria provided, multiple submitters, no conflicts (2 of 4 stars). 3 submissions from 3 submitters: Likely benign (2). 1 of the submissions does not count toward it. Last evaluated 2025-08-04.

Conditions:
DNAH5-related disorder. Also called: DNAH5-related condition.
Primary ciliary dyskinesia. Also called: Ciliary dyskinesia. Identifiers: Orphanet 244, MedGen C0008780, MONDO:0016575, HP:0012265.

Allele frequency attached by ClinVar (database versions not stated): gnomAD exomes 0.00007; ExAC 0.00008; ESP Exome Variant Server 0.00008; gnomAD 0.00018 and 0.00021; TOPMed 0.00021.
gnomAD v4.1: 79 of 1,599,798 alleles (0.0049%); highest among the groups gnomAD compares: African/African-American, 0.043%; no homozygotes.

Submissions (3):

Labcorp Genetics (formerly Invitae), Labcorp
Classification: Likely benign for Primary ciliary dyskinesia. Last evaluated: 2025-08-04. Review status: criteria provided, single submitter. Criteria: Invitae Variant Classification Sherloc (09022015). Collection method: clinical testing. Allele origin: germline.

Blueprint Genetics
Classification: Likely benign. Last evaluated: 2022-11-07. Review status: criteria provided, single submitter. Criteria: ACMG Guidelines, 2015. Collection method: clinical testing. Allele origin: germline.

PreventionGenetics, part of Exact Sciences
Classification: Likely benign for DNAH5-related condition. Last evaluated: 2019-03-13. Review status: no assertion criteria provided. Collection method: clinical testing. Allele origin: germline. Not counted in ClinVar's aggregate classification.
Comment: This variant is classified as likely benign based on ACMG/AMP sequence variant interpretation guidelines (Richards et al. 2015 PMID: 25741868, with internal and published modifications).

NM_001369.3(DNAH5):c.7753-7A>G

Gene: DNAH5 (dynein axonemal heavy chain 5; minus strand). Cytogenetic location: 5p15.2.
Variant type: single nucleotide variant.
Coding change: c.7753-7A>G on transcript NM_001369.3 (MANE Select); 7 bases into the intron before coding-DNA position 7753, A replaced by G.
Molecular consequence: intron variant.
Genome position (GRCh38, 1-based): chr5:13,807,732, T>C on the plus strand (A>G on the coding strand, the complement: DNAH5 is on the minus strand). VCF-style: chr5-13807732-T-C. GRCh37 (hg19) VCF-style: chr5-13807841-T-C.
Other names: c.7753-7A>G (NM_001369.2).
Identifiers: ClinVar variation 1133048 (VCV001133048.12), dbSNP rs374025017, ClinGen allele CA3203002.